The following is an entry in ClinVar:

NM_006662.3(SRCAP):c.9606A>C (p.Gln3202His)

Gene: SRCAP (Snf2 related CREBBP activator protein; plus strand). Cytogenetic location: 16p11.2.
Variant type: single nucleotide variant.
Coding change: c.9606A>C on transcript NM_006662.3 (MANE Select); coding-DNA position 9606, A replaced by C.
Protein change: p.Gln3202His; replaces glutamine 3202 with histidine.
Molecular consequence: missense variant.
Genome position (GRCh38, 1-based): chr16:30,739,646, A>C. VCF-style: chr16-30739646-A-C. GRCh37 (hg19) VCF-style: chr16-30750967-A-C.
Other names: short protein forms Q3202H.
Identifiers: ClinVar variation 2630472 (VCV002630472.2), dbSNP rs763696957, ClinGen allele CA395645264.

ClinVar aggregate classification (germline): Uncertain significance. Review status: criteria provided, multiple submitters, no conflicts (2 of 4 stars). 2 submissions from 2 submitters: Uncertain significance (2). Last evaluated 2025-07-02.

Conditions:
SRCAP-related disorder. Also called: SRCAP-related condition.
Inborn genetic diseases. Identifiers: MedGen C0950123, MeSH D030342.

gnomAD v4.1: 1 of 1,590,446 alleles (0.000063%); highest among the groups gnomAD compares: Non-Finnish European, 0.000086%; no homozygotes.

Submissions (2):

Ambry Genetics
Classification: Uncertain significance for Inborn genetic diseases. Last evaluated: 2025-07-02. Review status: criteria provided, single submitter. Criteria: Ambry Variant Classification Scheme 2023. Collection method: clinical testing. Allele origin: germline.

PreventionGenetics, part of Exact Sciences
Classification: Uncertain significance for SRCAP-related condition. Last evaluated: 2023-03-09. Review status: criteria provided, single submitter. Criteria: ACMG Guidelines, 2015. Collection method: clinical testing. Allele origin: germline.
Comment: The SRCAP c.9606A>C variant is predicted to result in the amino acid substitution p.Gln3202His. To our knowledge, this variant has not been reported in the literature or in a large population database, indicating this variant is rare. At this time, the clinical significance of this variant is uncertain due to the absence of conclusive functional and genetic evidence.